The following is an entry in ClinVar:

NM_001791.4(CDC42):c.439C>T (p.Arg147Cys)

Gene: CDC42 (cell division cycle 42; plus strand). Cytogenetic location: 1p36.12.
Variant type: single nucleotide variant.
Coding change: c.439C>T on transcript NM_001791.4 (MANE Select); coding-DNA position 439, C replaced by T.
Protein change: p.Arg147Cys; replaces arginine 147 with cysteine.
Molecular consequence: missense variant.
Genome position (GRCh38, 1-based): chr1:22,086,819, C>T. VCF-style: chr1-22086819-C-T. GRCh37 (hg19) VCF-style: chr1-22413312-C-T.
Other names: c.439C>T, p.Arg147Cys (NM_001039802.2, NM_044472.3); short protein forms R147C.
Identifiers: ClinVar variation 3361791 (VCV003361791.1).

ClinVar aggregate classification (germline): Uncertain significance (1 of 4 stars; one submission).

gnomAD v4.1: 2 of 1,613,950 alleles (0.00012%); highest among the groups gnomAD compares: Non-Finnish European, 0.00017%; no homozygotes.

Submission:

GeneDx
Classification: Uncertain significance. Last evaluated: 2023-08-08. Review status: criteria provided, single submitter. Criteria: GeneDx Variant Classification Process June 2021. Collection method: clinical testing. Allele origin: germline. Affected: yes.
Comment: Not observed at significant frequency in large population cohorts (gnomAD); In silico analysis supports that this missense variant has a deleterious effect on protein structure/function; Has not been previously published as pathogenic or benign to our knowledge